The following is an entry in ClinVar:

ClinVar aggregate classification (germline): Uncertain significance. Review status: criteria provided, multiple submitters, no conflicts (2 of 4 stars). 2 submissions from 2 submitters: Uncertain significance (2). Last evaluated 2025-02-24.

Conditions:
Inborn genetic diseases. Identifiers: MedGen C0950123, MeSH D030342.

Allele frequency attached by ClinVar (database versions not stated): ExAC 0.00001; gnomAD 0.00001; gnomAD exomes 0.00002; TOPMed 0.00002.
gnomAD v4.1: 30 of 1,613,934 alleles (0.0019%); highest among the groups gnomAD compares: Non-Finnish European, 0.0023%; no homozygotes.

Submissions (2):

Labcorp Genetics (formerly Invitae), Labcorp
Classification: Uncertain significance. Last evaluated: 2025-02-24. Review status: criteria provided, single submitter. Criteria: Invitae Variant Classification Sherloc (09022015). Collection method: clinical testing. Allele origin: germline.
Comment: This sequence change replaces asparagine, which is neutral and polar, with serine, which is neutral and polar, at codon 4766 of the HERC1 protein (p.Asn4766Ser). This variant is present in population databases (rs752320738, gnomAD 0.005%). This variant has not been reported in the literature in individuals affected with HERC1-related conditions. ClinVar contains an entry for this variant (Variation ID: 2182265). Invitae Evidence Modeling of protein sequence and biophysical properties (such as structural, functional, and spatial information, amino acid conservation, physicochemical variation, residue mobility, and thermodynamic stability) has been performed for this missense variant. However, the output from this modeling did not meet the statistical confidence thresholds required to predict the impact of this variant on HERC1 protein function. In summary, the available evidence is currently insufficient to determine the role of this variant in disease. Therefore, it has been classified as a Variant of Uncertain Significance.

Ambry Genetics
Classification: Uncertain significance for Inborn genetic diseases. Last evaluated: 2024-03-19. Review status: criteria provided, single submitter. Criteria: Ambry Variant Classification Scheme 2023. Collection method: clinical testing. Allele origin: germline.

NM_003922.4(HERC1):c.14297A>G (p.Asn4766Ser)

Gene: HERC1 (HECT and RLD domain containing E3 ubiquitin protein ligase family member 1; minus strand). Cytogenetic location: 15q22.31.
Variant type: single nucleotide variant.
Coding change: c.14297A>G on transcript NM_003922.4 (MANE Select); coding-DNA position 14297, A replaced by G.
Protein change: p.Asn4766Ser; replaces asparagine 4766 with serine.
Molecular consequence: missense variant.
Genome position (GRCh38, 1-based): chr15:63,612,354, T>C on the plus strand (A>G on the coding strand, the complement: HERC1 is on the minus strand). VCF-style: chr15-63612354-T-C. GRCh37 (hg19) VCF-style: chr15-63904553-T-C.
Other names: c.14297A>G (NM_003922.3); short protein forms N4766S.
Identifiers: ClinVar variation 2182265 (VCV002182265.5), dbSNP rs752320738, ClinGen allele CA7603515.